The following is an entry in ClinVar:

NM_015225.3(PRUNE2):c.483C>T (p.Thr161=)

Gene: PRUNE2 (prune homolog 2 with BCH domain; minus strand). Cytogenetic location: 9q21.2.
Variant type: single nucleotide variant.
Coding change: c.483C>T on transcript NM_015225.3 (MANE Select); coding-DNA position 483, C replaced by T.
Protein change: p.Thr161=; no amino-acid change (threonine 161 retained).
Molecular consequence: synonymous variant. On other transcripts: non-coding transcript variant (1).
Genome position (GRCh38, 1-based): chr9:76,846,540, G>A on the plus strand (C>T on the coding strand, the complement: PRUNE2 is on the minus strand). VCF-style: chr9-76846540-G-A. GRCh37 (hg19) VCF-style: chr9-79461456-G-A.
Other names: c.483C>T, p.Thr161= (NM_001308047.2, NM_001308048.2).
Identifiers: ClinVar variation 2659267 (VCV002659267.24), dbSNP rs200722902, ClinGen allele CA5090676.

ClinVar aggregate classification (germline): Likely benign (1 of 4 stars; one submission).

Allele frequency attached by ClinVar (database versions not stated): 1000 Genomes Project 30x 0.00016.
gnomAD v4.1: 79 of 1,613,802 alleles (0.0049%); highest among the groups gnomAD compares: African/African-American, 0.031%; no homozygotes.

Submission:

CeGaT Center for Human Genetics Tuebingen
Classification: Likely benign. Last evaluated: 2022-05-01. Review status: criteria provided, single submitter. Criteria: CeGaT Center For Human Genetics Tuebingen Variant Classification Criteria Version 2. Collection method: clinical testing. Allele origin: germline. Affected: yes. Observed: 1 variant allele.
Comment: PRUNE2: BP4, BP7